The following is an entry in ClinVar:

ClinVar aggregate classification (germline): Pathogenic (1 of 4 stars; one submission).

Conditions:
Autosomal recessive nonsyndromic hearing loss 3. Also called: NEUROSENSORY NONSYNDROMIC RECESSIVE DEAFNESS 3. Identifiers: Orphanet 90636, MedGen C1838263, MONDO:0010860, OMIM 600316.

Submission:

Institute of Human Genetics, University of Leipzig Medical Center
Classification: Pathogenic for Autosomal recessive nonsyndromic hearing loss 3. Last evaluated: 2025-03-04. Review status: criteria provided, single submitter. Criteria: ACMG Guidelines, 2015. Collection method: clinical testing. Allele origin: unknown. Affected: yes.
Comment: Criteria applied: PVS1,PM2

NM_016239.4(MYO15A):c.812G>A (p.Trp271Ter)

Gene: MYO15A (myosin XVA; plus strand). Cytogenetic location: 17p11.2.
Variant type: single nucleotide variant.
Coding change: c.812G>A on transcript NM_016239.4 (MANE Select); coding-DNA position 812, G replaced by A.
Protein change: p.Trp271Ter; replaces tryptophan 271 with a stop codon.
Molecular consequence: nonsense.
Genome position (GRCh38, 1-based): chr17:18,119,612, G>A. VCF-style: chr17-18119612-G-A. GRCh37 (hg19) VCF-style: chr17-18022926-G-A.
Other names: short protein forms W271*.
Identifiers: ClinVar variation 3773647 (VCV003773647.2).